The following is an entry in ClinVar:

NM_015910.7(WDPCP):c.208+6G>A

Gene: WDPCP (WD repeat containing planar cell polarity effector; minus strand). Cytogenetic location: 2p15.
Variant type: single nucleotide variant.
Coding change: c.208+6G>A on transcript NM_015910.7 (MANE Select); 6 bases into the intron after coding-DNA position 208, G replaced by A.
Molecular consequence: intron variant.
Genome position (GRCh38, 1-based): chr2:63,487,441, C>T on the plus strand (G>A on the coding strand, the complement: WDPCP is on the minus strand). VCF-style: chr2-63487441-C-T. GRCh37 (hg19) VCF-style: chr2-63714575-C-T.
Other names: c.136+6G>A (NM_001354044.2); c.208+6G>A (NM_001354045.2).
Identifiers: ClinVar variation 4984319 (VCV004984319.1).

ClinVar aggregate classification (germline): Likely benign (1 of 4 stars; one submission).

Conditions:
WDPCP-related disorder. Also called: WDPCP-related condition.

gnomAD v4.1: 2 of 1,585,398 alleles (0.00013%); highest among the groups gnomAD compares: Middle Eastern, 0.019%; no homozygotes.

Submission:

PreventionGenetics, part of Exact Sciences
Classification: Likely benign for WDPCP-related condition. Last evaluated: 2026-02-11. Review status: criteria provided, single submitter. Criteria: ACMG Guidelines, 2015. Collection method: clinical testing. Allele origin: germline.
Comment: This variant is classified as likely benign based on ACMG/AMP sequence variant interpretation guidelines (Richards et al. 2015 PMID: 25741868, with internal and published modifications).